The following is an entry in ClinVar:

NM_000348.4(SRD5A2):c.547+1G>C

Gene: SRD5A2 (steroid 5 alpha-reductase 2; minus strand). Cytogenetic location: 2p23.1.
Variant type: single nucleotide variant.
Coding change: c.547+1G>C on transcript NM_000348.4 (MANE Select); the canonical splice donor site of the intron after coding-DNA position 547, G replaced by C.
Molecular consequence: splice donor variant.
Genome position (GRCh38, 1-based): chr2:31,531,370, C>G on the plus strand (G>C on the coding strand, the complement: SRD5A2 is on the minus strand). VCF-style: chr2-31531370-C-G. GRCh37 (hg19) VCF-style: chr2-31756440-C-G.
Identifiers: ClinVar variation 2810971 (VCV002810971.3), dbSNP rs2465628816, ClinGen allele CA346598155.

ClinVar aggregate classification (germline): Pathogenic (1 of 4 stars; one submission).

Conditions:
3-Oxo-5 alpha-steroid delta 4-dehydrogenase deficiency (PPSH). Also called: PSEUDOVAGINAL PERINEOSCROTAL HYPOSPADIAS; FAMILIAL INCOMPLETE MALE PSEUDOHERMAPHRODITISM, TYPE 2; MALE PSEUDOHERMAPHRODITISM DUE TO 5-ALPHA-REDUCTASE DEFICIENCY; 46,XY disorder of sex development due to 5-alpha-reductase 2 deficiency. Identifiers: Orphanet 753, MedGen C0268297, MONDO:0009923, OMIM 264600. Disease mechanism: loss of function.

Submission:

Labcorp Genetics (formerly Invitae), Labcorp
Classification: Pathogenic for 3-Oxo-5 alpha-steroid delta 4-dehydrogenase deficiency. Last evaluated: 2022-12-31. Review status: criteria provided, single submitter. Criteria: Invitae Variant Classification Sherloc (09022015). Collection method: clinical testing. Allele origin: germline.
Comment: For these reasons, this variant has been classified as Pathogenic. Algorithms developed to predict the effect of sequence changes on RNA splicing suggest that this variant may disrupt the consensus splice site. Disruption of this splice site has been observed in individual(s) with steroid-5 alpha-reductase deficiency (PMID: 15770495). This variant is not present in population databases (gnomAD no frequency). This sequence change affects a donor splice site in intron 3 of the SRD5A2 gene. It is expected to disrupt RNA splicing. Variants that disrupt the donor or acceptor splice site typically lead to a loss of protein function (PMID: 16199547), and loss-of-function variants in SRD5A2 are known to be pathogenic (PMID: 1406794, 1944596).

Literature cited by the submitters: PubMed 15770495; PubMed 16199547; PubMed 1406794; PubMed 1944596.